The following is an entry in ClinVar:

ClinVar aggregate classification (germline): Conflicting classifications of pathogenicity. Review status: criteria provided, conflicting classifications (1 of 4 stars). 3 submissions from 3 submitters: Uncertain significance (2); Likely benign (1). Last evaluated 2026-01-25.

Conditions:
Emery-Dreifuss muscular dystrophy 1, X-linked (EDMD1). Also called: SCAPULOPERONEAL SYNDROME, X-LINKED; HUMEROPERONEAL NEUROMUSCULAR DISEASE; EMD-Related Emery-Dreifuss Muscular Dystrophy, X-Linked; Muscular dystrophy, tardive, Dreifuss-Emery type, with contractures. Identifiers: MedGen CN375556, MONDO:0100531, OMIM 310300.
X-linked Emery-Dreifuss muscular dystrophy. Also called: Muscular dystrophy, tardive Emery-Dreifuss type, with contractures. Identifiers: Orphanet 261, Orphanet 98863, MedGen C0751337, MONDO:0010680.

Allele frequency attached by ClinVar (database versions not stated): gnomAD exomes 0.00003 and 0.00008; TOPMed 0.00004; gnomAD 0.00007 and 0.00009; ExAC 0.00008; ESP Exome Variant Server 0.00009.

Submissions (3):

Labcorp Genetics (formerly Invitae), Labcorp
Classification: Likely benign for X-linked Emery-Dreifuss muscular dystrophy. Last evaluated: 2026-01-25. Review status: criteria provided, single submitter. Criteria: Invitae Variant Classification Sherloc (09022015). Collection method: clinical testing. Allele origin: germline.

Revvity Omics, Revvity
Classification: Uncertain significance for Emery-Dreifuss muscular dystrophy 1, X-linked. Last evaluated: 2023-10-17. Review status: criteria provided, single submitter. Criteria: ACMG Guidelines, 2015. Collection method: clinical testing. Allele origin: germline.

Women's Health and Genetics/Laboratory Corporation of America, LabCorp
Classification: Uncertain significance. Last evaluated: 2023-01-06. Review status: criteria provided, single submitter. Criteria: LabCorp Variant Classification Summary - May 2015. Collection method: clinical testing. Allele origin: germline.
Comment: Variant summary: EMD c.470G>A (p.Arg157Gln) results in a conservative amino acid change in the encoded protein sequence. Four of four in-silico tools predict a benign effect of the variant on protein function. The variant allele was found at a frequency of 8.2e-05 in 183002 control chromosomes. This frequency is not significantly higher than expected for a pathogenic variant in EMD causing Cardiomyopathy (8.2e-05 vs 0.0071), allowing no conclusion about variant significance. To our knowledge, no occurrence of c.470G>A in individuals affected with Cardiomyopathy and no experimental evidence demonstrating its impact on protein function have been reported. One clinical diagnostic laboratory has submitted clinical-significance assessments for this variant to ClinVar after 2014 without evidence for independent evaluation. One laboratory classified the variant as likely benign. Based on the evidence outlined above, the variant was classified as uncertain significance.

NM_000117.3(EMD):c.470G>A (p.Arg157Gln)

Gene: EMD (emerin; plus strand). Cytogenetic location: Xq28.
Variant type: single nucleotide variant.
Coding change: c.470G>A on transcript NM_000117.3 (MANE Select); coding-DNA position 470, G replaced by A.
Protein change: p.Arg157Gln; replaces arginine 157 with glutamine.
Molecular consequence: missense variant.
Genome position (GRCh38, 1-based): chrX:154,380,902, G>A. VCF-style: chrX-154380902-G-A. GRCh37 (hg19) VCF-style: chrX-153609262-G-A.
Other names: short protein forms R157Q.
Identifiers: ClinVar variation 36030 (VCV000036030.54), dbSNP rs148515772, ClinGen allele CA325734.